The following is an entry in ClinVar:

ClinVar aggregate classification (germline): Uncertain significance (1 of 4 stars; one submission).

Conditions:
Mosaic variegated aneuploidy syndrome 2 (MVA2). Identifiers: Orphanet 1052, MedGen C3279843, MONDO:0013582, OMIM 614114.

gnomAD v4.1: 4 of 1,611,848 alleles (0.00025%); highest among the groups gnomAD compares: African/African-American, 0.0053%; no homozygotes.

Submission:

Labcorp Genetics (formerly Invitae), Labcorp
Classification: Uncertain significance for Mosaic variegated aneuploidy syndrome 2. Last evaluated: 2024-03-24. Review status: criteria provided, single submitter. Criteria: Invitae Variant Classification Sherloc (09022015). Collection method: clinical testing. Allele origin: germline.
Comment: This sequence change replaces asparagine, which is neutral and polar, with histidine, which is basic and polar, at codon 241 of the CEP57 protein (p.Asn241His). This variant is present in population databases (rs755015433, gnomAD 0.007%). This variant has not been reported in the literature in individuals affected with CEP57-related conditions. Advanced modeling of protein sequence and biophysical properties (such as structural, functional, and spatial information, amino acid conservation, physicochemical variation, residue mobility, and thermodynamic stability) has been performed at Invitae for this missense variant, however the output from this modeling did not meet the statistical confidence thresholds required to predict the impact of this variant on CEP57 protein function. In summary, the available evidence is currently insufficient to determine the role of this variant in disease. Therefore, it has been classified as a Variant of Uncertain Significance.

NM_014679.5(CEP57):c.721A>C (p.Asn241His)

Gene: CEP57 (centrosomal protein 57; plus strand). Cytogenetic location: 11q21.
Variant type: single nucleotide variant.
Coding change: c.721A>C on transcript NM_014679.5 (MANE Select); coding-DNA position 721, A replaced by C.
Protein change: p.Asn241His; replaces asparagine 241 with histidine.
Molecular consequence: missense variant.
Genome position (GRCh38, 1-based): chr11:95,821,892, A>C. VCF-style: chr11-95821892-A-C. GRCh37 (hg19) VCF-style: chr11-95555056-A-C.
Other names: c.694A>C, p.Asn232His (NM_001243776.2); c.721A>C, p.Asn241His (NM_001243777.2); c.640A>C, p.Asn214His (NM_001363604.2); short protein forms N214H, N241H, N232H.
Identifiers: ClinVar variation 3666173 (VCV003666173.2).